The following is an entry in ClinVar:

NM_031483.7(ITCH):c.2423A>G (p.Asn808Ser)

Gene: ITCH (itchy E3 ubiquitin protein ligase; plus strand). Cytogenetic location: 20q11.22.
Variant type: single nucleotide variant.
Coding change: c.2423A>G on transcript NM_031483.7 (MANE Select); coding-DNA position 2423, A replaced by G.
Protein change: p.Asn808Ser; replaces asparagine 808 with serine.
Molecular consequence: missense variant.
Genome position (GRCh38, 1-based): chr20:34,504,337, A>G. VCF-style: chr20-34504337-A-G. GRCh37 (hg19) VCF-style: chr20-33092142-A-G.
Other names: c.2546A>G, p.Asn849Ser (NM_001257137.3, NM_001324197.2); c.2093A>G, p.Asn698Ser (NM_001257138.3); c.2423A>G, p.Asn808Ser (NM_001324198.2); short protein forms N849S, N808S, N698S.
Identifiers: ClinVar variation 648017 (VCV000648017.8), dbSNP rs575380764, ClinGen allele CA9821972.

ClinVar aggregate classification (germline): Uncertain significance (1 of 4 stars; one submission).

Conditions:
Syndromic multisystem autoimmune disease due to ITCH deficiency. Also called: AUTOIMMUNE DISEASE, MULTISYSTEM, WITH FACIAL DYSMORPHISM. Identifiers: Orphanet 228426, MedGen C3150649, MONDO:0013245, OMIM 613385.

Allele frequency attached by ClinVar (database versions not stated): 1000 Genomes Project 30x 0.00031; 1000 Genomes Project 0.00040; gnomAD below 0.00001 and 0.00003; gnomAD exomes 0.00002 and 0.00005; TOPMed 0.00002; ExAC 0.00005.
gnomAD v4.1: 34 of 1,612,716 alleles (0.0021%); highest among the groups gnomAD compares: South Asian, 0.027%; no homozygotes.

Submission:

Labcorp Genetics (formerly Invitae), Labcorp
Classification: Uncertain significance for Syndromic multisystem autoimmune disease due to ITCH deficiency. Last evaluated: 2022-08-20. Review status: criteria provided, single submitter. Criteria: Invitae Variant Classification Sherloc (09022015). Collection method: clinical testing. Allele origin: germline.
Comment: This sequence change replaces asparagine, which is neutral and polar, with serine, which is neutral and polar, at codon 808 of the ITCH protein (p.Asn808Ser). This variant is present in population databases (rs575380764, gnomAD 0.04%). This variant has not been reported in the literature in individuals affected with ITCH-related conditions. ClinVar contains an entry for this variant (Variation ID: 648017). Algorithms developed to predict the effect of missense changes on protein structure and function are either unavailable or do not agree on the potential impact of this missense change (SIFT: "Not Available"; PolyPhen-2: "Probably Damaging"; Align-GVGD: "Not Available"). In summary, the available evidence is currently insufficient to determine the role of this variant in disease. Therefore, it has been classified as a Variant of Uncertain Significance.